The following is an entry in ClinVar:

ClinVar aggregate classification (germline): Pathogenic (1 of 4 stars; one submission).

Conditions:
Familial thoracic aortic aneurysm and aortic dissection (TAAD). Also called: Thoracic aortic aneurysms and dissections. Identifiers: Orphanet 91387, MedGen C4707243, MONDO:0019625.
Marfan syndrome (MFS). Also called: Marfan syndrome, classic; Marfan syndrome type 1; Marfan's syndrome; FBN1-Related Marfan Syndrome; MARFAN SYNDROME, TYPE I. Identifiers: Orphanet 284963, Orphanet 558, MedGen C0024796, MONDO:0007947, OMIM 154700.

Submission:

Labcorp Genetics (formerly Invitae), Labcorp
Classification: Pathogenic for Marfan syndrome; Familial thoracic aortic aneurysm and aortic dissection. Last evaluated: 2023-11-28. Review status: criteria provided, single submitter. Criteria: Invitae Variant Classification Sherloc (09022015). Collection method: clinical testing. Allele origin: germline.
Comment: This sequence change replaces cysteine, which is neutral and slightly polar, with phenylalanine, which is neutral and non-polar, at codon 2251 of the FBN1 protein (p.Cys2251Phe). This variant is not present in population databases (gnomAD no frequency). This missense change has been observed in individual(s) with Marfan syndrome (Invitae). In at least one individual the variant was observed to be de novo. ClinVar contains an entry for this variant (Variation ID: 947549). Advanced modeling of protein sequence and biophysical properties (such as structural, functional, and spatial information, amino acid conservation, physicochemical variation, residue mobility, and thermodynamic stability) performed at Invitae indicates that this missense variant is expected to disrupt FBN1 protein function with a positive predictive value of 95%. This variant affects a cysteine residue in the EGF-like, TGFBP or hybrid motif domains of FBN1. Cysteine residues are believed to be involved in intramolecular disulfide bridges and have been shown to be important for FBN1 protein structure (PMID: 16905551, 19349279). In addition, missense substitutions affecting cysteine residues within these domains are significantly overrepresented among patients with Marfan syndrome (PMID: 16571647, 17701892). For these reasons, this variant has been classified as Pathogenic.

Literature cited by the submitters: PubMed 16905551; PubMed 19349279; PubMed 16571647; PubMed 17701892.

NM_000138.5(FBN1):c.6752G>T (p.Cys2251Phe)

Gene: FBN1 (fibrillin 1; minus strand). Cytogenetic location: 15q21.1.
Variant type: single nucleotide variant.
Coding change: c.6752G>T on transcript NM_000138.5 (MANE Select); coding-DNA position 6752, G replaced by T.
Protein change: p.Cys2251Phe; replaces cysteine 2251 with phenylalanine.
Molecular consequence: missense variant.
Genome position (GRCh38, 1-based): chr15:48,430,790, C>A on the plus strand (G>T on the coding strand, the complement: FBN1 is on the minus strand). VCF-style: chr15-48430790-C-A. GRCh37 (hg19) VCF-style: chr15-48722987-C-A.
Other names: short protein forms C2251F.
Identifiers: ClinVar variation 947549 (VCV000947549.9), dbSNP rs794728256, ClinGen allele CA392332877.
Genomic context (GRCh38, chr15:48,430,790, plus strand): 5'-GTGCCAATGAGGTTCTTGCATTCCATTTGTTTTTCAGTACAGTCATGTTTTCCCTCTTCA[C>A]ACTCATCCTCATCTGTAAAAAATGTACAATCACAAATTTGTCAAAGAAAATGCATATATC-3'
Protein context (NP_000129.3, residues 2241-2261): DRRMCKDEDE[Cys2251Phe]EEGKHDCTEK